The following is an entry in ClinVar:

ClinVar aggregate classification (germline): Uncertain significance (1 of 4 stars; one submission).

Conditions:
Episodic ataxia type 1 (EA1). Also called: Episodic ataxia/myokymia syndrome; MYOKYMIA WITH PERIODIC ATAXIA; PAROXYSMAL ATAXIA WITH NEUROMYOTONIA, HEREDITARY; ATAXIA, EPISODIC, WITH MYOKYMIA. Identifiers: Orphanet 37612, Orphanet 972, MedGen C1719788, MONDO:0008047, OMIM 160120.

Submission:

Labcorp Genetics (formerly Invitae), Labcorp
Classification: Uncertain significance for Episodic ataxia type 1. Last evaluated: 2022-03-19. Review status: criteria provided, single submitter. Criteria: Invitae Variant Classification Sherloc (09022015). Collection method: clinical testing. Allele origin: germline.
Comment: Experimental studies and prediction algorithms are not available or were not evaluated, and the functional significance of this variant is currently unknown. Algorithms developed to predict the effect of sequence changes on RNA splicing suggest that this variant is not likely to affect RNA splicing. In summary, the available evidence is currently insufficient to determine the role of this variant in disease. Therefore, it has been classified as a Variant of Uncertain Significance. This variant has not been reported in the literature in individuals affected with KCNA1-related conditions. This variant, c.868_872delinsTC, is a complex sequence change that results in the deletion of 2 amino acids and insertion of 1 amino acid(s) in the KCNA1 protein (p.Ile290_Leu291delinsSer). This variant is not present in population databases (gnomAD no frequency).

NM_000217.3(KCNA1):c.868_872delinsTC (p.Ile290_Leu291delinsSer)

Gene: KCNA1 (potassium voltage-gated channel subfamily A member 1; plus strand). Cytogenetic location: 12p13.32.
Variant type: Indel.
Coding change: c.868_872delinsTC on transcript NM_000217.3 (MANE Select); coding-DNA positions 868 to 872, ATCCT replaced by TC.
Protein change: p.Ile290_Leu291delinsSer.
Molecular consequence: inframe indel.
Genome position (GRCh38, 1-based): chr12:4,912,246-4,912,250, ATCCT replaced by TC. VCF-style: chr12-4912246-ATCCT-TC. GRCh37 (hg19) VCF-style: chr12-5021412-ATCCT-TC.
Identifiers: ClinVar variation 463866 (VCV000463866.5), dbSNP rs1555085756, ClinGen allele CA658658114.